The following is an entry in ClinVar:

ClinVar aggregate classification (germline): Uncertain significance. Review status: criteria provided, multiple submitters, no conflicts (2 of 4 stars). 3 submissions from 3 submitters: Uncertain significance (3). Last evaluated 2024-12-02.

Conditions:
Autosomal dominant hypocalcemia 1 (HYPOC1). Also called: HYPOCALCEMIA, FAMILIAL. Identifiers: MedGen C3715128, MONDO:0011013, OMIM 601198.
Familial hypocalciuric hypercalcemia (FHH). Also called: Familial benign hypercalcemia. Identifiers: Orphanet 405, MedGen C1809471, MONDO:0018458.
Nephrolithiasis/nephrocalcinosis. Identifiers: MedGen CN580796.
CASR-related disorder. Also called: CASR-related condition.

Allele frequency attached by ClinVar (database versions not stated): gnomAD 0.00001; gnomAD exomes 0.00001.

Submissions (3):

PreventionGenetics, part of Exact Sciences
Classification: Uncertain significance for CASR-related condition. Last evaluated: 2024-12-02. Review status: criteria provided, single submitter. Criteria: ACMG Guidelines, 2015. Collection method: clinical testing. Allele origin: germline.
Comment: The CASR c.937G>A variant is predicted to result in the amino acid substitution p.Val313Met. To our knowledge, this variant has not been reported in the literature. This variant is reported in 0.0023% of alleles in individuals of European (Non-Finnish) descent in gnomAD. At this time, the clinical significance of this variant is uncertain due to the absence of conclusive functional and genetic evidence.

Labcorp Genetics (formerly Invitae), Labcorp
Classification: Uncertain significance for Familial hypocalciuric hypercalcemia; Autosomal dominant hypocalcemia 1. Last evaluated: 2023-02-28. Review status: criteria provided, single submitter. Criteria: Invitae Variant Classification Sherloc (09022015). Collection method: clinical testing. Allele origin: germline.
Comment: This sequence change replaces valine, which is neutral and non-polar, with methionine, which is neutral and non-polar, at codon 313 of the CASR protein (p.Val313Met). This variant is present in population databases (rs200838528, gnomAD 0.002%). This variant has not been reported in the literature in individuals affected with CASR-related conditions. ClinVar contains an entry for this variant (Variation ID: 956385). An algorithm developed to predict the effect of missense changes on protein structure and function (PolyPhen-2) suggests that this variant is likely to be disruptive. In summary, the available evidence is currently insufficient to determine the role of this variant in disease. Therefore, it has been classified as a Variant of Uncertain Significance.

Ambry Genetics
Classification: Uncertain significance for Nephrolithiasis/nephrocalcinosis. Last evaluated: 2021-09-10. Review status: criteria provided, single submitter. Criteria: Ambry Variant Classification Scheme 2023. Collection method: clinical testing. Allele origin: germline.
Comment: The p.V313M variant (also known as c.937G>A), located in coding exon 3 of the CASR gene, results from a G to A substitution at nucleotide position 937. The valine at codon 313 is replaced by methionine, an amino acid with highly similar properties. This amino acid position is conserved. In addition, this alteration is predicted to be deleterious by in silico analysis. Since supporting evidence is limited at this time, the clinical significance of this alteration remains unclear.

NM_000388.4(CASR):c.937G>A (p.Val313Met)

Gene: CASR (calcium sensing receptor; plus strand). Cytogenetic location: 3q21.1.
Variant type: single nucleotide variant.
Coding change: c.937G>A on transcript NM_000388.4 (MANE Select); coding-DNA position 937, G replaced by A.
Protein change: p.Val313Met; replaces valine 313 with methionine.
Molecular consequence: missense variant.
Genome position (GRCh38, 1-based): chr3:122,261,972, G>A. VCF-style: chr3-122261972-G-A. GRCh37 (hg19) VCF-style: chr3-121980819-G-A.
Other names: c.937G>A, p.Val313Met (NM_001178065.2); c.937G>A (NM_001178065.1); short protein forms V313M.
Identifiers: ClinVar variation 956385 (VCV000956385.11), dbSNP rs200838528, ClinGen allele CA82738662.